The following is an entry in ClinVar:

ClinVar aggregate classification (germline): Uncertain significance (1 of 4 stars; one submission).

Allele frequency attached by ClinVar (database versions not stated): gnomAD exomes below 0.00001; TOPMed 0.00001.

Submission:

Labcorp Genetics (formerly Invitae), Labcorp
Classification: Uncertain significance. Last evaluated: 2026-01-11. Review status: criteria provided, single submitter. Criteria: Invitae Variant Classification Sherloc (09022015). Collection method: clinical testing. Allele origin: germline.
Comment: This sequence change replaces proline, which is neutral and non-polar, with arginine, which is basic and polar, at codon 448 of the IL12RB2 protein (p.Pro448Arg). This variant is present in population databases (no rsID available, gnomAD 0.007%). This variant has not been reported in the literature in individuals affected with IL12RB2-related conditions. ClinVar contains an entry for this variant (Variation ID: 2421666). An algorithm developed to predict the effect of missense changes on protein structure and function (PolyPhen-2) suggests that this variant is likely to be tolerated. In summary, the available evidence is currently insufficient to determine the role of this variant in disease. Therefore, it has been classified as a Variant of Uncertain Significance.

NM_001374259.2(IL12RB2):c.1343C>G (p.Pro448Arg)

Gene: IL12RB2 (interleukin 12 receptor subunit beta 2; plus strand). Cytogenetic location: 1p31.3.
Variant type: single nucleotide variant.
Coding change: c.1343C>G on transcript NM_001374259.2 (MANE Select); coding-DNA position 1343, C replaced by G.
Protein change: p.Pro448Arg; replaces proline 448 with arginine.
Molecular consequence: missense variant. On other transcripts: non-coding transcript variant (2).
Genome position (GRCh38, 1-based): chr1:67,367,909, C>G. VCF-style: chr1-67367909-C-G. GRCh37 (hg19) VCF-style: chr1-67833592-C-G.
Other names: c.1343C>G, p.Pro448Arg (NM_001258214.1, NM_001258215.1, NM_001258216.1 and 2 more transcripts); short protein forms P448R.
Identifiers: ClinVar variation 2421666 (VCV002421666.6), dbSNP rs1457317680, ClinGen allele CA340738069.
Genomic context (GRCh38, chr1:67,367,909, plus strand): 5'-CTGCAAACTCAGAGGGCATGGACAACATTCTGGTGACTTGGCAGCCTCCCAGGAAAGATC[C>G]CTCTGCTGTTCAGGAGTACGTGGTGGAATGGAGAGAGCTCCATCCAGGGGGTGACACACA-3'
Protein context (NP_001361188.1, residues 438-458): LVTWQPPRKD[Pro448Arg]SAVQEYVVEW